The following is an entry in ClinVar:

ClinVar aggregate classification (germline): Likely pathogenic. Review status: criteria provided, single submitter (1 of 4 stars). 2 submissions from 2 submitters: Likely pathogenic (1). 1 of the submissions does not count toward it. Last evaluated 2024-09-20.

Conditions:
CDKL5 disorder. Identifiers: MedGen CN296942, MONDO:0100039.
Developmental and epileptic encephalopathy, 2 (DEE2). Also called: INFANTILE SPASM SYNDROME, X-LINKED 2; CDKL5 deficiency disorder. Identifiers: Orphanet 1934, Orphanet 3451, Orphanet 505652, MedGen C4750718, MONDO:0010396, OMIM 300672.

Submissions (2):

Centre for Population Genomics, CPG
Classification: Likely pathogenic for CDKL5 disorder. Last evaluated: 2024-09-20. Review status: criteria provided, single submitter. Criteria: McKnight et al. (Hum Mutat. 2022). Collection method: curation. Allele origin: germline. Inheritance: X-linked inheritance.
Comment: This variant has been collected from RettBASE and curated to current modified ACMG/AMP criteria. Based on the classification scheme defined by the ClinGen Rett/Angelman-like Expert Panel for Rett/AS-like Disorders Specifications to the ACMG/AMP Variant Interpretation Guidelines VCEP 3.0, this variant is classified as likely pathogenic. At least the following criteria are met: Predicted to result in loss of function, and LOF is a known mechanism of disease (PVS1). This variant is absent from gnomAD (PM2_Supporting). Has been observed in at least 1 individual with phenotypes consistent with CDKL5 disorder (PMID: 21770923).

RettBASE
Classification: Pathogenic for Epileptic encephalopathy, early infantile, 2. Last evaluated: 2014-03-13. Review status: no assertion criteria provided. Collection method: curation. Allele origin: unknown. Affected: yes. Observed: 1 variant allele. Not counted in ClinVar's aggregate classification.

Literature cited by the submitters: PubMed 21770923 (cited by RettBASE).

NM_001323289.2(CDKL5):c.39del (p.Phe13fs)

Gene: CDKL5 (cyclin dependent kinase like 5; plus strand). Cytogenetic location: Xp22.13.
Variant type: Deletion.
Coding change: c.39del on transcript NM_001323289.2 (MANE Select); coding-DNA position 39, one base deleted (T; older notation c.39delT).
Protein change: p.Phe13fs; shifts the reading frame from phenylalanine 13.
Molecular consequence: frameshift variant.
Genome position (GRCh38, 1-based): chrX:18,507,135, T deleted; the last of 3 consecutive T bases (chrX:18,507,133-18,507,135); deleting any one gives the same sequence. VCF-style (leftmost placement, unchanged base first): chrX-18507132-AT-A. GRCh37 (hg19) VCF-style: chrX-18525252-AT-A.
Other names: NM_001323289.2(CDKL5):c.39del; p.Phe13fs; c.39del, p.Phe13fs (NM_001037343.2, NM_003159.3); c.39delT (NM_003159.2); short protein forms F13fs.
Identifiers: ClinVar variation 143819 (VCV000143819.4), dbSNP rs267608415, ClinGen allele CA170491.